The following is an entry in ClinVar:

NM_005670.4(EPM2A):c.721C>T (p.Arg241Ter)

Gene: EPM2A (EPM2A glucan phosphatase, laforin; minus strand). Cytogenetic location: 6q24.3.
Variant type: single nucleotide variant.
Coding change: c.721C>T on transcript NM_005670.4 (MANE Select); coding-DNA position 721, C replaced by T.
Protein change: p.Arg241Ter; replaces arginine 241 with a stop codon.
Molecular consequence: nonsense. On other transcripts: missense variant (1), non-coding transcript variant (1).
Genome position (GRCh38, 1-based): chr6:145,627,691, G>A on the plus strand (C>T on the coding strand, the complement: EPM2A is on the minus strand). VCF-style: chr6-145627691-G-A. GRCh37 (hg19) VCF-style: chr6-145948827-G-A.
Other names: p.R241*:CGA>TGA; NM_005670.4(EPM2A):c.721C>T; c.721C>T, p.Arg241Ter (NM_001018041.2); c.479C>T, p.Pro160Leu (NM_001360057.2); c.307C>T, p.Arg103Ter (NM_001360064.2, NM_001360071.2, NM_001368131.1); c.259C>T, p.Arg87Ter (NM_001368129.2, NM_001368132.1); short protein forms R241*, R87*, P160L, R103*.
Identifiers: ClinVar variation 3098 (VCV000003098.78), dbSNP rs104893950, ClinGen allele CA314500.

ClinVar aggregate classification (germline): Pathogenic/Likely pathogenic. Review status: criteria provided, multiple submitters, no conflicts (2 of 4 stars). 19 submissions from 19 submitters: Pathogenic (13); Likely pathogenic (1). 5 of the submissions do not count toward it. Last evaluated 2025-12-16.

Conditions:
EPM2A-related disorders.
Myoclonic epilepsy of Lafora 1 (MELF1). Also called: EPM2A-Related Lafora Disease; Epilepsy, progressive myoclonic 2A (Lafora); EPILEPSY, PROGRESSIVE MYOCLONIC, 2A; LAFORA DISEASE 1. Identifiers: MedGen CN377204, MONDO:0958199, OMIM 254780.
EPM2A-related disorder. Also called: EPM2A-related condition.
Inborn genetic diseases. Identifiers: MedGen C0950123, MeSH D030342.
Progressive myoclonic epilepsy. Also called: Progressive myoclonus epilepsy; Myoclonic Epilepsies, Progressive; Familial progressive myoclonic epilepsy; Myoclonus epilepsy. Identifiers: Orphanet 308, Orphanet 98261, MedGen C0751778, MONDO:0020074.
Lafora disease. Also called: Epilepsy progressive myoclonic 2; Progressive Myoclonus Epilepsy, Lafora Type. Identifiers: Orphanet 501, MedGen C0751783, MONDO:0009697.

Allele frequency attached by ClinVar (database versions not stated): ExAC 0.00008; gnomAD exomes 0.00008; gnomAD 0.00003; TOPMed 0.00006.

Submissions 1 to 12 of 19:

Labcorp Genetics (formerly Invitae), Labcorp
Classification: Pathogenic for Progressive myoclonic epilepsy. Last evaluated: 2025-12-16. Review status: criteria provided, single submitter. Criteria: Invitae Variant Classification Sherloc (09022015). Collection method: clinical testing. Allele origin: germline.
Comment: This sequence change creates a premature translational stop signal (p.Arg241*) in the EPM2A gene. While this is not anticipated to result in nonsense mediated decay, it is expected to disrupt the last 91 amino acid(s) of the EPM2A protein. This variant is present in population databases (rs104893950, gnomAD 0.02%). This premature translational stop signal has been observed in individuals with Lafora disease (PMID: 9771710, 21623095, 25246353). ClinVar contains an entry for this variant (Variation ID: 3098). For these reasons, this variant has been classified as Pathogenic.

Ambry Genetics
Classification: Pathogenic for Inborn genetic diseases. Last evaluated: 2025-10-07. Review status: criteria provided, single submitter. Criteria: Ambry Variant Classification Scheme 2023. Collection method: clinical testing. Allele origin: germline.
Comment: The c.721C>T (p.R241*) alteration, located in exon 4 (coding exon 4) of the EPM2A gene, consists of a C to T substitution at nucleotide position 721. This changes the amino acid from an arginine (R) to a stop codon at amino acid position 241. This variant is not expected to trigger nonsense-mediated mRNA decay, and impacts the last 27% of the protein. However, premature stop codons are typically deleterious in nature, the impacted region is critical for protein function (Ambry internal data) and a significant portion of the protein is affected (Ambry internal data). Based on data from gnomAD, the T allele has an overall frequency of 0.007% (20/279276) total alleles studied. The highest observed frequency was 0.02% (7/35362) of Latino alleles. This variant has been identified in the homozygous state and/or in conjunction with other EPM2A variant(s) in individual(s) with features consistent with progressive myoclonic epilepsy of Lafora; in at least one instance, the variants were identified in trans (Lesca, 2010; Harirchian, 2011; Salar, 2012; Riva, 2021; d'Orsi, 2023). Based on the available evidence, this alteration is classified as pathogenic.

Genomic Medicine Center of Excellence, King Faisal Specialist Hospital and Research Centre
Classification: Likely pathogenic for Myoclonic epilepsy of Lafora 1. Last evaluated: 2025-09-10. Review status: criteria provided, single submitter. Criteria: ACMG Guidelines, 2015. Collection method: clinical testing. Allele origin: germline.

Greenwood Genetic Center Diagnostic Laboratories, Greenwood Genetic Center
Classification: Pathogenic for Myoclonic epilepsy of Lafora 1. Last evaluated: 2025-01-29. Review status: criteria provided, single submitter. Criteria: ACMG Guidelines, 2015. Collection method: clinical testing. Allele origin: germline. Affected: yes.
Comment: PVS1, PM2, PM3_Very Strong

Broad Center for Mendelian Genomics, Broad Institute of MIT and Harvard
Classification: Pathogenic for Lafora disease. Last evaluated: 2025-01-03. Review status: criteria provided, single submitter. Criteria: ACMG Guidelines, 2015. Collection method: curation. Allele origin: germline. Inheritance: Autosomal recessive inheritance.
Comment: The p.Arg241Ter variant in EPM2A has been reported in many individuals with Lafora disease (PMID: 9771710, 9931343, 11175283, 12019207, 20738377, 21623095, 25246353), segregated with disease in 3 siblings from 1 family (PMID: 25246353), and has been identified In 0.015% (9/59988) of Latino/Admixed American chromosomes by the Genome Aggregation Database (gnomAD; dbSNP ID: rs104893950). Although this variant has been seen in the general population in a heterozygous state, its frequency is not high enough to rule out a pathogenic role. This variant has also been reported in ClinVar (Variation ID: 3098) and has been interpreted as pathogenic by many sources. Of the many affected individuals, at least 2 were homozygotes, which increases the likelihood that the p.Arg241Ter variant is pathogenic (PMID: 9771710). In vitro functional studies provide some evidence that the p.Arg241Ter variant may slightly impact protein function (PMID: 14532330). However, these types of assays may not accurately represent biological function. This nonsense variant leads to a premature termination codon at position 241. This alteration occurs within the last exon and is more likely to escape nonsense mediated decay (NMD) and result in a truncated protein. Loss of function of the EPM2A gene is an established disease mechanism in autosomal recessive Lafora disease. The phenotype of individuals compound heterozygous and homozygous for this variant are highly specific for Lafora disease based on biopsies showing Lafora bodies consistent with disease (PMID: 9771710, 11175283, 12019207, 25246353). In summary, this variant meets criteria to be classified as pathogenic for autosomal recessive Lafora disease. ACMG/AMP Criteria applied: PM3, PVS1_strong, PP4, PS3_supporting, PP1_moderate (Richards 2015).

Revvity Omics, Revvity
Classification: Pathogenic for Myoclonic epilepsy of Lafora 1. Last evaluated: 2023-11-07. Review status: criteria provided, single submitter. Criteria: ACMG Guidelines, 2015. Collection method: clinical testing. Allele origin: germline.

Blueprint Genetics
Classification: Pathogenic for EPM2A-related disorders. Last evaluated: 2023-06-23. Review status: criteria provided, single submitter. Criteria: ACMG Guidelines, 2015. Collection method: clinical testing. Allele origin: germline. Affected: yes. Observed: 5 variant alleles.

GeneDx
Classification: Pathogenic. Last evaluated: 2022-11-25. Review status: criteria provided, single submitter. Criteria: GeneDx Variant Classification Process June 2021. Collection method: clinical testing. Allele origin: germline. Affected: yes.
Comment: Nonsense variant in the C-terminus predicted to result in protein truncation as the last 91 amino acids are lost and other loss-of-function variants have been reported downstream in the Human Gene Mutation Database (HGMD); This variant is associated with the following publications: (PMID: 25525159, 25246353, 20301563, 34755096, 34117373, 9931343, 12019207, 27702709, 28131202, 22047982, 20738377, 21623095, 25481721, 31227012, 31858178, 31758957, 31980526, 33368637, 31589614, 17452581, 9771710, 31476531, 33152654, 34195479, 33773408, 11175283, 24077912)

Illumina Laboratory Services, Illumina
Classification: Pathogenic. Last evaluated: 2022-08-04. Review status: criteria provided, single submitter. Criteria: ICSL CNVClassificationCriteria Aug2020. Collection method: clinical testing. Allele origin: unknown. Affected: yes.
Comment: The EPM2A c.721C>T (p.Arg241Ter) nonsense variant results in the substitution of arginine at amino acid position 241 with a stop codon. This variant occurs in the last exon of the gene and may escape nonsense-mediated mRNA decay. Across a selection of the available literature, the c.721C>T variant, which is described as one of the most common pathogenic EPM2A variants associated with Lafora disease, was identified in a homozygous state in eight unrelated individuals and in a compound heterozygous state in four individuals (PMID: 9771710; PMID: 21623095; PMID: 25246353; PMID: 34755096; PMID: 33773408). Additionally, this variant was also reported in 12 affected individuals, phase unknown (PMID: 11175283). The c.721C>T variant segregated with disease in one family (PMID: 25246353). The highest frequency of this allele in the Genome Aggregation Database is 0.000198 in the Latino/Admixed American population (version 2.1.1. Based on the available evidence, the c.721C>T (p.Arg241Ter) variant is classified as pathogenic for Lafora disease.

Department of Human Genetics, Hannover Medical School
Classification: Pathogenic for Myoclonic epilepsy of Lafora 1. Last evaluated: 2022-05-10. Review status: criteria provided, single submitter. Criteria: ACMG Guidelines, 2015. Collection method: clinical testing. Allele origin: inherited. Inheritance: Autosomal recessive inheritance. Affected: yes.

Dasa
Classification: Pathogenic for Lafora disease. Last evaluated: 2022-03-05. Review status: criteria provided, single submitter. Criteria: ACMG Guidelines, 2015. Collection method: clinical testing. Allele origin: germline. Affected: yes. Observed: 1 variant allele.
Comment: The c.721C>T;p.(Arg241*) variant creates a premature translational stop signal in the EPM2A gene. It is expected to result in an absent or disrupted protein product - PVS1_strong. This sequence change has been observed in affected individual(s) and ClinVar contains an entry for this variant (ClinVar ID: 3098; PMID: 9771710; PMID: 21623095; PMID: 25246353) - PS4. The variant is present at low allele frequencies population databases (rs104893950 – gnomAD 0.0007161%; ABraOM no frequency) - PM2_supporting. In summary, the currently available evidence indicates that the variant is pathogenic.

CeGaT Center for Human Genetics Tuebingen
Classification: Pathogenic. Last evaluated: 2020-06-01. Review status: criteria provided, single submitter. Criteria: CeGaT Center For Human Genetics Tuebingen Variant Classification Criteria Version 2. Collection method: clinical testing. Allele origin: germline. Affected: yes. Observed: 5 variant alleles.